The following is an entry in ClinVar:

NM_001042424.3(NSD2):c.1126T>A (p.Ser376Thr)

Gene: NSD2 (nuclear receptor binding SET domain protein 2; plus strand). Cytogenetic location: 4p16.3.
Variant type: single nucleotide variant.
Coding change: c.1126T>A on transcript NM_001042424.3 (MANE Select); coding-DNA position 1126, T replaced by A.
Protein change: p.Ser376Thr; replaces serine 376 with threonine.
Molecular consequence: missense variant.
Genome position (GRCh38, 1-based): chr4:1,918,339, T>A. VCF-style: chr4-1918339-T-A. GRCh37 (hg19) VCF-style: chr4-1920066-T-A.
Other names: c.1126T>A (NM_133330.2); c.1126T>A, p.Ser376Thr (NM_007331.2, NM_133330.3, NM_133331.3 and 2 more transcripts); short protein forms S376T.
Identifiers: ClinVar variation 3251618 (VCV003251618.2), dbSNP rs2474341216.

ClinVar aggregate classification (germline): Uncertain significance. Review status: criteria provided, multiple submitters, no conflicts (2 of 4 stars). 2 submissions from 2 submitters: Uncertain significance (2). Last evaluated 2024-10-22.

Conditions:
Inborn genetic diseases. Identifiers: MedGen C0950123, MeSH D030342.

Submissions (2):

Ambry Genetics
Classification: Uncertain significance for Inborn genetic diseases. Last evaluated: 2024-10-22. Review status: criteria provided, single submitter. Criteria: Ambry Variant Classification Scheme 2023. Collection method: clinical testing. Allele origin: germline.

Women's Health and Genetics/Laboratory Corporation of America, LabCorp
Classification: Uncertain significance. Last evaluated: 2024-04-01. Review status: criteria provided, single submitter. Criteria: LabCorp Variant Classification Summary - May 2015. Collection method: clinical testing. Allele origin: germline.
Comment: Variant summary: WHSC1 c.1126T>A (p.Ser376Thr) results in a conservative amino acid change in the encoded protein sequence. Four of five in-silico tools predict a benign effect of the variant on protein function. The variant was absent in 251174 control chromosomes (gnomAD). The available data on variant occurrences in the general population are insufficient to allow any conclusion about variant significance. To our knowledge, no occurrence of c.1126T>A in individuals affected with Rauch-Steindl Syndrome and no experimental evidence demonstrating its impact on protein function have been reported. No submitters have cited clinical-significance assessments for this variant to ClinVar. Based on the evidence outlined above, the variant was classified as uncertain significance.